The following is an entry in ClinVar:

ClinVar aggregate classification (germline): Benign/Likely benign. Review status: criteria provided, multiple submitters, no conflicts (2 of 4 stars). 2 submissions from 2 submitters: Benign (1); Likely benign (1). Last evaluated 2024-04-24.

Conditions:
KBG syndrome (KBGS). Also called: ANKRD11-Related KBG Syndrome. Identifiers: Orphanet 2332, MedGen C0220687, MONDO:0007846, OMIM 148050.

Allele frequency attached by ClinVar (database versions not stated): gnomAD 0.00001; gnomAD exomes 0.00001; ExAC 0.00002; TOPMed 0.00002.
gnomAD v4.1: 14 of 1,614,124 alleles (0.00087%); highest among the groups gnomAD compares: Non-Finnish European, 0.0011%; no homozygotes.

Submissions (2):

Labcorp Genetics (formerly Invitae), Labcorp
Classification: Benign for KBG syndrome. Last evaluated: 2024-04-24. Review status: criteria provided, single submitter. Criteria: Invitae Variant Classification Sherloc (09022015). Collection method: clinical testing. Allele origin: germline.

CeGaT Center for Human Genetics Tuebingen
Classification: Likely benign. Last evaluated: 2022-07-01. Review status: criteria provided, single submitter. Criteria: CeGaT Center For Human Genetics Tuebingen Variant Classification Criteria Version 2. Collection method: clinical testing. Allele origin: germline. Affected: yes. Observed: 1 variant allele.
Comment: ANKRD11: BP4, BP7

NM_013275.6(ANKRD11):c.867C>T (p.Tyr289=)

Gene: ANKRD11 (ankyrin repeat domain 11; minus strand). Cytogenetic location: 16q24.3.
Variant type: single nucleotide variant.
Coding change: c.867C>T on transcript NM_013275.6 (MANE Select); coding-DNA position 867, C replaced by T.
Protein change: p.Tyr289=; no amino-acid change (tyrosine 289 retained).
Molecular consequence: synonymous variant.
Genome position (GRCh38, 1-based): chr16:89,286,064, G>A on the plus strand (C>T on the coding strand, the complement: ANKRD11 is on the minus strand). VCF-style: chr16-89286064-G-A. GRCh37 (hg19) VCF-style: chr16-89352472-G-A.
Other names: c.867C>T, p.Tyr289= (NM_001256182.2, NM_001256183.2).
Identifiers: ClinVar variation 2037665 (VCV002037665.28), dbSNP rs761636251, ClinGen allele CA8242917.